The following is an entry in ClinVar:

ClinVar aggregate classification (germline): Uncertain significance (1 of 4 stars; one submission).

Submission:

Labcorp Genetics (formerly Invitae), Labcorp
Classification: Uncertain significance. Last evaluated: 2024-10-24. Review status: criteria provided, single submitter. Criteria: Invitae Variant Classification Sherloc (09022015). Collection method: clinical testing. Allele origin: germline.
Comment: This sequence change replaces aspartic acid, which is acidic and polar, with asparagine, which is neutral and polar, at codon 1487 of the NEXMIF protein (p.Asp1487Asn). This variant is not present in population databases (gnomAD no frequency). This variant has not been reported in the literature in individuals affected with NEXMIF-related conditions. An algorithm developed to predict the effect of missense changes on protein structure and function (PolyPhen-2) suggests that this variant is likely to be tolerated. In summary, the available evidence is currently insufficient to determine the role of this variant in disease. Therefore, it has been classified as a Variant of Uncertain Significance.

NM_001008537.3(NEXMIF):c.4459G>A (p.Asp1487Asn)

Gene: NEXMIF (neurite extension and migration factor; minus strand). Cytogenetic location: Xq13.3.
Variant type: single nucleotide variant.
Coding change: c.4459G>A on transcript NM_001008537.3 (MANE Select); coding-DNA position 4459, G replaced by A.
Protein change: p.Asp1487Asn; replaces aspartic acid 1487 with asparagine.
Molecular consequence: missense variant.
Genome position (GRCh38, 1-based): chrX:74,739,497, C>T on the plus strand (G>A on the coding strand, the complement: NEXMIF is on the minus strand). VCF-style: chrX-74739497-C-T. GRCh37 (hg19) VCF-style: chrX-73959332-C-T.
Other names: short protein forms D1487N.
Identifiers: ClinVar variation 3723606 (VCV003723606.2).